The following is an entry in ClinVar:

ClinVar aggregate classification (germline): Uncertain significance (1 of 4 stars; one submission).

Conditions:
Familial hemophagocytic lymphohistiocytosis 4 (FHL4). Also called: STX11-Related Familial Hemophagocytic Lymphohistiocytosis (STX11-fHLH). Identifiers: Orphanet 540, MedGen C1863728, MONDO:0011336, OMIM 603552.

Allele frequency attached by ClinVar (database versions not stated): gnomAD exomes 0.00001; ExAC 0.00002.
gnomAD v4.1: 3 of 1,613,408 alleles (0.00019%); highest among the groups gnomAD compares: East Asian, 0.0022%; no homozygotes.

Submission:

Labcorp Genetics (formerly Invitae), Labcorp
Classification: Uncertain significance for Familial hemophagocytic lymphohistiocytosis 4. Last evaluated: 2023-04-24. Review status: criteria provided, single submitter. Criteria: Invitae Variant Classification Sherloc (09022015). Collection method: clinical testing. Allele origin: germline.
Comment: In summary, the available evidence is currently insufficient to determine the role of this variant in disease. Therefore, it has been classified as a Variant of Uncertain Significance. This sequence change replaces lysine, which is basic and polar, with arginine, which is basic and polar, at codon 67 of the STX11 protein (p.Lys67Arg). This variant is present in population databases (rs759943002, gnomAD 0.006%). This variant has not been reported in the literature in individuals affected with STX11-related conditions. ClinVar contains an entry for this variant (Variation ID: 1381275). Advanced modeling of protein sequence and biophysical properties (such as structural, functional, and spatial information, amino acid conservation, physicochemical variation, residue mobility, and thermodynamic stability) performed at Invitae indicates that this missense variant is not expected to disrupt STX11 protein function.

NM_003764.4(STX11):c.200A>G (p.Lys67Arg)

Gene: STX11 (syntaxin 11; plus strand). Cytogenetic location: 6q24.2.
Variant type: single nucleotide variant.
Coding change: c.200A>G on transcript NM_003764.4 (MANE Select); coding-DNA position 200, A replaced by G.
Protein change: p.Lys67Arg; replaces lysine 67 with arginine.
Molecular consequence: missense variant.
Genome position (GRCh38, 1-based): chr6:144,186,827, A>G. VCF-style: chr6-144186827-A-G. GRCh37 (hg19) VCF-style: chr6-144507964-A-G.
Other names: short protein forms K67R.
Identifiers: ClinVar variation 1381275 (VCV001381275.5), dbSNP rs759943002, ClinGen allele CA4031650.